The following is an entry in ClinVar:

NM_004393.6(DAG1):c.2221C>T (p.Pro741Ser)

Gene: DAG1 (dystroglycan 1; plus strand). Cytogenetic location: 3p21.31.
Variant type: single nucleotide variant.
Coding change: c.2221C>T on transcript NM_004393.6 (MANE Select); coding-DNA position 2221, C replaced by T.
Protein change: p.Pro741Ser; replaces proline 741 with serine.
Molecular consequence: missense variant.
Genome position (GRCh38, 1-based): chr3:49,532,732, C>T. VCF-style: chr3-49532732-C-T. GRCh37 (hg19) VCF-style: chr3-49570165-C-T.
Other names: c.2221C>T, p.Pro741Ser (NM_001165928.4, NM_001177634.3, NM_001177635.3 and 9 more transcripts); c.2221C>T (NM_004393.4); short protein forms P741S.
Identifiers: ClinVar variation 2180571 (VCV002180571.3), dbSNP rs1359369638, ClinGen allele CA352797059.

ClinVar aggregate classification (germline): Uncertain significance. Review status: criteria provided, multiple submitters, no conflicts (2 of 4 stars). 2 submissions from 2 submitters: Uncertain significance (2). Last evaluated 2024-07-15.

Conditions:
Autosomal recessive limb-girdle muscular dystrophy type 2P. Also called: MUSCULAR DYSTROPHY-DYSTROGLYCANOPATHY, LIMB-GIRDLE, DAG1-RELATED; Limb-Girdle Muscular Dystrophy Type 9C; MUSCULAR DYSTROPHY, LIMB-GIRDLE, TYPE 2P. Identifiers: Orphanet 280333, MedGen C4511963, MONDO:0013440, OMIM 613818.
Muscular dystrophy-dystroglycanopathy (congenital with brain and eye anomalies), type A9. Also called: WALKER-WARBURG SYNDROME OR MUSCLE-EYE BRAIN DISEASE, DAG1-RELATED; Muscular dystrophy-dystroglycanopathy (congenital with brain and eye anomalies), type a, 9. Identifiers: Orphanet 370997, Orphanet 899, MedGen C4225291, MONDO:0014683, OMIM 616538.
Inborn genetic diseases. Identifiers: MedGen C0950123, MeSH D030342.

Allele frequency attached by ClinVar (database versions not stated): gnomAD exomes below 0.00001; TOPMed below 0.00001; gnomAD 0.00001.
gnomAD v4.1: 6 of 1,614,044 alleles (0.00037%); highest among the groups gnomAD compares: Admixed American, 0.0017%; no homozygotes.

Submissions (2):

Ambry Genetics
Classification: Uncertain significance for Inborn genetic diseases. Last evaluated: 2024-07-15. Review status: criteria provided, single submitter. Criteria: Ambry Variant Classification Scheme 2023. Collection method: clinical testing. Allele origin: germline.

Labcorp Genetics (formerly Invitae), Labcorp
Classification: Uncertain significance for Autosomal recessive limb-girdle muscular dystrophy type 2P; Muscular dystrophy-dystroglycanopathy (congenital with brain and eye anomalies), type A9. Last evaluated: 2023-12-11. Review status: criteria provided, single submitter. Criteria: Invitae Variant Classification Sherloc (09022015). Collection method: clinical testing. Allele origin: germline.
Comment: This sequence change replaces proline, which is neutral and non-polar, with serine, which is neutral and polar, at codon 741 of the DAG1 protein (p.Pro741Ser). The frequency data for this variant in the population databases is considered unreliable, as metrics indicate poor data quality at this position in the gnomAD database. This variant has not been reported in the literature in individuals affected with DAG1-related conditions. ClinVar contains an entry for this variant (Variation ID: 2180571). Advanced modeling of protein sequence and biophysical properties (such as structural, functional, and spatial information, amino acid conservation, physicochemical variation, residue mobility, and thermodynamic stability) performed at Invitae indicates that this missense variant is not expected to disrupt DAG1 protein function with a negative predictive value of 80%. In summary, the available evidence is currently insufficient to determine the role of this variant in disease. Therefore, it has been classified as a Variant of Uncertain Significance.